The following is an entry in ClinVar:

ClinVar aggregate classification (germline): Likely benign. Review status: criteria provided, multiple submitters, no conflicts (2 of 4 stars). 2 submissions from 2 submitters: Likely benign (2). Last evaluated 2026-04-13.

Conditions:
DICER1-related tumor predisposition. Also called: DICER1 syndrome; DICER1-related pleuropulmonary blastoma cancer predisposition syndrome. Identifiers: Orphanet 284343, MedGen C3839822, MONDO:0100216.

Allele frequency attached by ClinVar (database versions not stated): gnomAD exomes 0.00001.
gnomAD v4.1: 7 of 1,570,384 alleles (0.00045%); highest among the groups gnomAD compares: Non-Finnish European, 0.00061%; no homozygotes.

Submissions (2):

Myriad Genetics, Inc.
Classification: Likely benign for DICER1-related tumor predisposition. Last evaluated: 2026-04-13. Review status: criteria provided, single submitter. Criteria: Myriad Autosomal Dominant, Autosomal Recessive and X-Linked Classification Criteria (2023). Collection method: clinical testing. Allele origin: unknown.
Comment: This variant is considered likely benign. This variant is intronic and is not expected to impact mRNA splicing.

Labcorp Genetics (formerly Invitae), Labcorp
Classification: Likely benign for DICER1-related tumor predisposition. Last evaluated: 2025-09-16. Review status: criteria provided, single submitter. Criteria: Invitae Variant Classification Sherloc (09022015). Collection method: clinical testing. Allele origin: germline.

NM_177438.3(DICER1):c.3093+8G>A

Gene: DICER1 (dicer 1, ribonuclease III; minus strand). Cytogenetic location: 14q32.13.
Variant type: single nucleotide variant.
Coding change: c.3093+8G>A on transcript NM_177438.3 (MANE Select); 8 bases into the intron after coding-DNA position 3093, G replaced by A.
Molecular consequence: intron variant.
Genome position (GRCh38, 1-based): chr14:95,105,670, C>T on the plus strand (G>A on the coding strand, the complement: DICER1 is on the minus strand). VCF-style: chr14-95105670-C-T. GRCh37 (hg19) VCF-style: chr14-95572007-C-T.
Other names: c.3093+8G>A (NM_001291628.2, NM_030621.4, NM_001271282.3 and 1 more transcripts).
Identifiers: ClinVar variation 1085438 (VCV001085438.11), dbSNP rs1017490835, ClinGen allele CA265907547.